The following is an entry in ClinVar:

NM_001040142.2(SCN2A):c.2664G>A (p.Leu888=)

Gene: SCN2A (sodium voltage-gated channel alpha subunit 2; plus strand). Cytogenetic location: 2q24.3.
Variant type: single nucleotide variant.
Coding change: c.2664G>A on transcript NM_001040142.2 (MANE Select); coding-DNA position 2664, G replaced by A.
Protein change: p.Leu888=; no amino-acid change (leucine 888 retained).
Molecular consequence: synonymous variant.
Genome position (GRCh38, 1-based): chr2:165,344,656, G>A. VCF-style: chr2-165344656-G-A. GRCh37 (hg19) VCF-style: chr2-166201166-G-A.
Other names: c.2664G>A, p.Leu888= (NM_001040143.2, NM_001371246.1, NM_001371247.1 and 1 more transcripts).
Identifiers: ClinVar variation 892877 (VCV000892877.5), dbSNP rs1699478461, ClinGen allele CA429972051.

ClinVar aggregate classification (germline): Conflicting classifications of pathogenicity. Review status: criteria provided, conflicting classifications (1 of 4 stars). 2 submissions from 2 submitters: Uncertain significance (1); Likely benign (1). Last evaluated 2024-08-07.

Conditions:
Seizures, benign familial infantile, 3 (BFIS3). Also called: CONVULSIONS, BENIGN FAMILIAL INFANTILE, 3; Familial neonatal seizures. Identifiers: Orphanet 140927, Orphanet 306, MedGen C1843140, MONDO:0011904, OMIM 607745.

Submissions (2):

Women's Health and Genetics/Laboratory Corporation of America, LabCorp
Classification: Likely benign. Last evaluated: 2024-08-07. Review status: criteria provided, single submitter. Criteria: LabCorp Variant Classification Summary - May 2015. Collection method: clinical testing. Allele origin: germline.
Comment: Variant summary: SCN2A c.2664G>A alters a conserved nucleotide resulting in a synonymous change. The variant was absent in 251486 control chromosomes. The available data on variant occurrences in the general population are insufficient to allow any conclusion about variant significance. To our knowledge, no occurrence of c.2664G>A in individuals affected with Early Infantile Epileptic Encephalopathy 11 and no experimental evidence demonstrating its impact on protein function have been reported. ClinVar contains an entry for this variant (Variation ID: 892877). Based on the evidence outlined above, the variant was classified as likely benign.

Illumina Laboratory Services, Illumina
Classification: Uncertain significance for Seizures, benign familial infantile, 3. Last evaluated: 2018-01-13. Review status: criteria provided, single submitter. Criteria: ICSL Variant Classification Criteria 13 December 2019. Collection method: clinical testing. Allele origin: germline.